The following is an entry in ClinVar:

NM_000478.6(ALPL):c.533A>G (p.Tyr178Cys)

Gene: ALPL (alkaline phosphatase, biomineralization associated; plus strand). Cytogenetic location: 1p36.12.
Variant type: single nucleotide variant.
Coding change: c.533A>G on transcript NM_000478.6 (MANE Select); coding-DNA position 533, A replaced by G.
Protein change: p.Tyr178Cys; replaces tyrosine 178 with cysteine.
Molecular consequence: missense variant.
Genome position (GRCh38, 1-based): chr1:21,564,101, A>G. VCF-style: chr1-21564101-A-G. GRCh37 (hg19) VCF-style: chr1-21890594-A-G.
Other names: c.368A>G, p.Tyr123Cys (NM_001127501.4); c.302A>G, p.Tyr101Cys (NM_001177520.3); c.533A>G, p.Tyr178Cys (NM_001369803.2, NM_001369804.2, NM_001369805.2); short protein forms Y101C, Y123C, Y178C.
Identifiers: ClinVar variation 4687950 (VCV004687950.1).

ClinVar aggregate classification (germline): Pathogenic (1 of 4 stars; one submission).

Conditions:
Adult hypophosphatasia. Identifiers: Orphanet 247676, Orphanet 436, MedGen C0268413, MONDO:1010154, OMIM 146300, MONDO:0007798.

Submission:

Human Genetics Bochum, Ruhr University Bochum
Classification: Pathogenic for Adult hypophosphatasia. Last evaluated: 2025-08-29. Review status: criteria provided, single submitter. Criteria: ACMG Guidelines, 2015. Collection method: clinical testing. Allele origin: germline. Affected: yes.
Comment: ACMG criteria used to clasify this variant: PP3_STR, PM1, PM5, PM2_SUP, PP2